The following is an entry in ClinVar:

NM_001605.3(AARS1):c.1534G>A (p.Glu512Lys)

Gene: AARS1 (alanyl-tRNA synthetase 1; minus strand). Cytogenetic location: 16q22.1.
Variant type: single nucleotide variant.
Coding change: c.1534G>A on transcript NM_001605.3 (MANE Select); coding-DNA position 1534, G replaced by A.
Protein change: p.Glu512Lys; replaces glutamic acid 512 with lysine.
Molecular consequence: missense variant.
Genome position (GRCh38, 1-based): chr16:70,262,483, C>T on the plus strand (G>A on the coding strand, the complement: AARS1 is on the minus strand). VCF-style: chr16-70262483-C-T. GRCh37 (hg19) VCF-style: chr16-70296386-C-T.
Other names: short protein forms E512K.
Identifiers: ClinVar variation 2026835 (VCV002026835.5), dbSNP rs2507003820, ClinGen allele CA396560293.
Genomic context (GRCh38, chr16:70,262,483, plus strand): 5'-TCTTGTCCAGCACCACTCCACACTCCTGGCCTGTGGACACCTCTTCCACGAACATCTTCT[C>T]CCTGCGCAGAGCCATCACCGTAGCCACTGTGTTCTCAAATACTGCTCAAGGGAAATGCAT-3'
Protein context (NP_001596.2, residues 502-522): TVATVMALRR[Glu512Lys]KMFVEEVSTG

ClinVar aggregate classification (germline): Uncertain significance. Review status: criteria provided, multiple submitters, no conflicts (2 of 4 stars). 2 submissions from 2 submitters: Uncertain significance (2). Last evaluated 2025-07-31.

Conditions:
Inborn genetic diseases. Identifiers: MedGen C0950123, MeSH D030342.
Charcot-Marie-Tooth disease type 2. Also called: Charcot-Marie-Tooth type 2. Identifiers: Orphanet 64746, MedGen C0270914, MONDO:0018993.

Submissions (2):

Ambry Genetics
Classification: Uncertain significance for Inborn genetic diseases. Last evaluated: 2025-07-31. Review status: criteria provided, single submitter. Criteria: Ambry Variant Classification Scheme 2023. Collection method: clinical testing. Allele origin: germline.

Labcorp Genetics (formerly Invitae), Labcorp
Classification: Uncertain significance for Charcot-Marie-Tooth disease type 2. Last evaluated: 2022-08-24. Review status: criteria provided, single submitter. Criteria: Invitae Variant Classification Sherloc (09022015). Collection method: clinical testing. Allele origin: germline.
Comment: This variant has not been reported in the literature in individuals affected with AARS-related conditions. Algorithms developed to predict the effect of missense changes on protein structure and function (SIFT, PolyPhen-2, Align-GVGD) all suggest that this variant is likely to be tolerated. In summary, the available evidence is currently insufficient to determine the role of this variant in disease. Therefore, it has been classified as a Variant of Uncertain Significance. This sequence change replaces glutamic acid, which is acidic and polar, with lysine, which is basic and polar, at codon 512 of the AARS protein (p.Glu512Lys). This variant is not present in population databases (gnomAD no frequency).